The following is an entry in ClinVar:

NM_152327.5(AK7):c.100G>A (p.Gly34Arg)

Gene: AK7 (adenylate kinase 7; plus strand). Cytogenetic location: 14q32.2.
Variant type: single nucleotide variant.
Coding change: c.100G>A on transcript NM_152327.5 (MANE Select); coding-DNA position 100, G replaced by A.
Protein change: p.Gly34Arg; replaces glycine 34 with arginine.
Molecular consequence: missense variant.
Genome position (GRCh38, 1-based): chr14:96,392,254, G>A. VCF-style: chr14-96392254-G-A. GRCh37 (hg19) VCF-style: chr14-96858591-G-A.
Other names: c.100G>A, p.Gly34Arg (NM_001350888.2, NM_001350890.2, NM_001350891.2 and 1 more transcripts); short protein forms G34R.
Identifiers: ClinVar variation 1898820 (VCV001898820.5), dbSNP rs761681729, ClinGen allele CA266032390.
Genomic context (GRCh38, chr14:96,392,254, plus strand): 5'-GTTATCCGGACCCAGAGGGTGTTTATAAACCTGTTGGATTCCTACAGCAGCGGAAACATC[G>A]GGAAGGTGAGCGGCGGCGGCGGCCCAGAGCCTCACGCCAGCTCTCAGCTCCCAGCCCTCG-3'
Protein context (NP_689540.2, residues 24-44): LLDSYSSGNI[Gly34Arg]KFLSNCVVGA

ClinVar aggregate classification (germline): Uncertain significance (1 of 4 stars; one submission).

gnomAD v4.1: 23 of 1,611,762 alleles (0.0014%); highest among the groups gnomAD compares: Non-Finnish European, 0.0018%; no homozygotes.

Submission:

Labcorp Genetics (formerly Invitae), Labcorp
Classification: Uncertain significance. Last evaluated: 2022-07-13. Review status: criteria provided, single submitter. Criteria: Invitae Variant Classification Sherloc (09022015). Collection method: clinical testing. Allele origin: germline.
Comment: This sequence change replaces glycine, which is neutral and non-polar, with arginine, which is basic and polar, at codon 34 of the AK7 protein (p.Gly34Arg). In summary, the available evidence is currently insufficient to determine the role of this variant in disease. Therefore, it has been classified as a Variant of Uncertain Significance. This variant is present in population databases (rs761681729, gnomAD 0.003%). This variant has not been reported in the literature in individuals affected with AK7-related conditions. Algorithms developed to predict the effect of missense changes on protein structure and function are either unavailable or do not agree on the potential impact of this missense change (SIFT: "Deleterious"; PolyPhen-2: "Benign"; Align-GVGD: "Class C0").